The following is an entry in ClinVar:

NM_017780.4(CHD7):c.7538G>A (p.Arg2513Gln)

Gene: CHD7 (chromodomain helicase DNA binding protein 7; plus strand). Cytogenetic location: 8q12.2.
Variant type: single nucleotide variant.
Coding change: c.7538G>A on transcript NM_017780.4 (MANE Select); coding-DNA position 7538, G replaced by A.
Protein change: p.Arg2513Gln; replaces arginine 2513 with glutamine.
Molecular consequence: missense variant. On other transcripts: intron variant (1).
Genome position (GRCh38, 1-based): chr8:60,856,818, G>A. VCF-style: chr8-60856818-G-A. GRCh37 (hg19) VCF-style: chr8-61769377-G-A.
Other names: c.7538G>A (NM_017780.3, LRG_176t1); c.1717-5411G>A (NM_001316690.1); short protein forms R2513Q.
Identifiers: ClinVar variation 420704 (VCV000420704.12), dbSNP rs1064794649, ClinGen allele CA16618682.
Genomic context (GRCh38, chr8:60,856,818, plus strand): 5'-CCACAAGGCATCTCCTTAATGGCTCCCTAGTGGATGGAGAGCCTCCCATGAAGAGGAGGC[G>A]GGGAAGGAGGAAAAATGTGGAGGGACTTGATCTGCTTTTCATGAGCCACAAACGGACGTC-3'
Protein context (NP_060250.2, residues 2503-2523): VDGEPPMKRR[Arg2513Gln]GRRKNVEGLD

ClinVar aggregate classification (germline): Conflicting classifications of pathogenicity. Review status: criteria provided, conflicting classifications (1 of 4 stars). 4 submissions from 4 submitters: Uncertain significance (2); Likely benign (2). Last evaluated 2026-09-01.

Conditions:
CHD7-related disorder. Also called: CHD7-related condition.
CHARGE syndrome (CHARGE). Also called: Hittner Hirsch Kreh syndrome; CHARGE ASSOCIATION--COLOBOMA, HEART ANOMALY, CHOANAL ATRESIA, RETARDATION, GENITAL AND EAR ANOMALIES; Coloboma, heart anomaly, choanal atresia, retardation, genital and ear anomalies; CHARGE association; Hall-Hittner syndrome. Identifiers: Orphanet 138, MedGen C0265354, MONDO:0008965.

Allele frequency attached by ClinVar (database versions not stated): gnomAD exomes 0.00001.
gnomAD v4.1: 12 of 1,597,434 alleles (0.00075%); highest among the groups gnomAD compares: Admixed American, 0.0035%; no homozygotes.

Submissions (4):

CeGaT Center for Human Genetics Tuebingen
Classification: Likely benign. Last evaluated: 2026-09-01. Review status: criteria provided, single submitter. Criteria: CeGaT Center For Human Genetics Tuebingen Variant Classification Criteria Version 2. Collection method: clinical testing. Allele origin: germline. Affected: yes. Observed: 1 variant allele.
Comment: CHD7: BP5, BS2

Labcorp Genetics (formerly Invitae), Labcorp
Classification: Likely benign for CHARGE syndrome. Last evaluated: 2025-11-04. Review status: criteria provided, single submitter. Criteria: Invitae Variant Classification Sherloc (09022015). Collection method: clinical testing. Allele origin: germline.

GeneDx
Classification: Uncertain significance. Last evaluated: 2023-11-14. Review status: criteria provided, single submitter. Criteria: GeneDx Variant Classification Process June 2021. Collection method: clinical testing. Allele origin: germline. Affected: yes.
Comment: In silico analysis supports that this missense variant has a deleterious effect on protein structure/function; Missense variant in a gene in which most reported pathogenic variants are truncating/loss of function; This variant is associated with the following publications: (PMID: 27484032)

PreventionGenetics, part of Exact Sciences
Classification: Uncertain significance for CHD7-related condition. Last evaluated: 2023-07-18. Review status: criteria provided, single submitter. Criteria: ACMG Guidelines, 2015. Collection method: clinical testing. Allele origin: germline.
Comment: The CHD7 c.7538G>A variant is predicted to result in the amino acid substitution p.Arg2513Gln. This variant has been reported in patient with T-cell lymphopenia and in an asymptomatic father (Yu et al. 2016. PubMed ID: 27484032). The patient also carried a pathogenic variant in FOXN1 gene, while a second variant in this gene was not identified. This variant was also reported as variant of unknown significance in patient with primary immunodeficiency and was not expected to be causative for this phenotype (Table S6, Rudilla et al. 2019. PubMed ID: 31681265). This variant is reported in 0.0057% of alleles in individuals of East Asian descent in gnomAD. At this time, the clinical significance of this variant is uncertain due to the absence of conclusive functional and genetic evidence.